The following is an entry in ClinVar:

ClinVar aggregate classification (germline): Uncertain significance (1 of 4 stars; one submission).

Conditions:
Holoprosencephaly 11 (HPE11). Identifiers: Orphanet 2162, MedGen C3280215, MONDO:0013642, OMIM 614226.

Submission:

Labcorp Genetics (formerly Invitae), Labcorp
Classification: Uncertain significance for Holoprosencephaly 11. Last evaluated: 2022-10-17. Review status: criteria provided, single submitter. Criteria: Invitae Variant Classification Sherloc (09022015). Collection method: clinical testing. Allele origin: germline.
Comment: In summary, the available evidence is currently insufficient to determine the role of this variant in disease. Therefore, it has been classified as a Variant of Uncertain Significance. Advanced modeling of protein sequence and biophysical properties (such as structural, functional, and spatial information, amino acid conservation, physicochemical variation, residue mobility, and thermodynamic stability) performed at Invitae indicates that this missense variant is not expected to disrupt CDON protein function. This variant has not been reported in the literature in individuals affected with CDON-related conditions. This variant is not present in population databases (gnomAD no frequency). This sequence change replaces methionine, which is neutral and non-polar, with threonine, which is neutral and polar, at codon 761 of the CDON protein (p.Met761Thr).

NM_001378964.1(CDON):c.2282T>C (p.Met761Thr)

Gene: CDON (cell adhesion associated, oncogene regulated; minus strand). Cytogenetic location: 11q24.2.
Variant type: single nucleotide variant.
Coding change: c.2282T>C on transcript NM_001378964.1 (MANE Select); coding-DNA position 2282, T replaced by C.
Protein change: p.Met761Thr; replaces methionine 761 with threonine.
Molecular consequence: missense variant.
Genome position (GRCh38, 1-based): chr11:125,997,287, A>G on the plus strand (T>C on the coding strand, the complement: CDON is on the minus strand). VCF-style: chr11-125997287-A-G. GRCh37 (hg19) VCF-style: chr11-125867182-A-G.
Other names: c.2282T>C, p.Met761Thr (NM_001243597.3, NM_016952.6); short protein forms M761T.
Identifiers: ClinVar variation 1719687 (VCV001719687.5), dbSNP rs2497111325, ClinGen allele CA383206133.